The following is an entry in ClinVar:

ClinVar aggregate classification (germline): Uncertain significance (1 of 4 stars; one submission).

Conditions:
Polycystic kidney disease, adult type (PKD1). Also called: POLYCYSTIC KIDNEY DISEASE, ADULT, TYPE I; Polycystic Kidney Disease 1, Autosomal Dominant; Polycystic kidney disease 1; Polycystic kidney disease 1, severe; Polycystic Kidney, Autosomal Dominant; POLYCYSTIC KIDNEY DISEASE 1 WITH OR WITHOUT POLYCYSTIC LIVER DISEASE. Identifiers: MedGen C3149841, MONDO:0008263, OMIM 173900.

Submission:

Juno Genomics, Hangzhou Juno Genomics, Inc
Classification: Uncertain significance for Polycystic kidney disease, adult type. Review status: criteria provided, single submitter. Criteria: ACMG Guidelines, 2015. Collection method: clinical testing. Allele origin: germline. Affected: yes.
Comment: Absent from controls (or at extremely low frequency if recessive) in Genome Aggregation Database, Exome Sequencing Project, 1000 Genomes Project, or Exome Aggregation Consortium.;Multiple lines of computational evidence support a deleterious effect on the gene or gene product (conservation, evolutionary, splicing impact, etc).

NM_001009944.3(PKD1):c.11558A>G (p.Glu3853Gly)

Genes: PKD1 (polycystin 1, transient receptor potential channel interacting; minus strand), PKD1-AS1 (PKD1 antisense RNA 1; plus strand). Cytogenetic location: 16p13.3.
Variant type: single nucleotide variant.
Coding change: c.11558A>G on transcript NM_001009944.3 (MANE Select); coding-DNA position 11558, A replaced by G.
Protein change: p.Glu3853Gly; replaces glutamic acid 3853 with glycine.
Molecular consequence: missense variant. On other transcripts: non-coding transcript variant (1).
Genome position (GRCh38, 1-based): chr16:2,091,577, T>C on the plus strand (A>G on the coding strand, the complement: PKD1 is on the minus strand). VCF-style: chr16-2091577-T-C. GRCh37 (hg19) VCF-style: chr16-2141578-T-C.
Other names: c.11555A>G, p.Glu3852Gly (NM_000296.4); short protein forms E3852G, E3853G.
Identifiers: ClinVar variation 3376520 (VCV003376520.3).
Genomic context (GRCh38, chr16:2,091,577, plus strand): 5'-AACTCGAGGCGCAGCGTGACGGCGGCGTGCAGCCCCACGGCCGGGCTGTAGCGCGTGAGC[T>C]CCAGGAACACAGCGCGGCTCCTGCGCAGAGGGTGCGGGTCAGTAGGAGCGGGTGGCAGGG-3'
Protein context (NP_001009944.3, residues 3843-3863): LDNRSRAVFL[Glu3853Gly]LTRYSPAVGL